The following is an entry in ClinVar:

NM_005585.5(SMAD6):c.1305dup (p.Ile436fs)

Gene: SMAD6 (SMAD family member 6; plus strand). Cytogenetic location: 15q22.31.
Variant type: Duplication.
Coding change: c.1305dup on transcript NM_005585.5 (MANE Select); coding-DNA position 1305, one base duplicated (C; older notation c.1305dupC).
Protein change: p.Ile436fs; shifts the reading frame from isoleucine 436.
Molecular consequence: frameshift variant. On other transcripts: non-coding transcript variant (1).
Genome position (GRCh38, 1-based): chr15:66,781,349, C duplicated; the last of 2 consecutive C bases (chr15:66,781,348-66,781,349); duplicating either gives the same sequence. VCF-style (leftmost placement, unchanged base first): chr15-66781347-T-TC. GRCh37 (hg19) VCF-style: chr15-67073685-T-TC.
Other names: c.1304dupC (NM_005585.5); c.1305dup (NM_005585.4); short protein forms I436fs.
Identifiers: ClinVar variation 1174577 (VCV001174577.3), dbSNP rs1255802415, ClinGen allele CA618961874.

ClinVar aggregate classification (germline): Likely pathogenic. Review status: criteria provided, single submitter (1 of 4 stars). 2 submissions from 2 submitters: Likely pathogenic (1). 1 of the submissions does not count toward it. Last evaluated 2024-08-09.

Conditions:
Radioulnar synostosis. Also called: Congenital radioulnar synostosis. Identifiers: Orphanet 3269, MedGen C0158761, MONDO:0017985, HP:0002974.

Submissions (2):

GeneDx
Classification: Likely pathogenic. Last evaluated: 2024-08-09. Review status: criteria provided, single submitter. Criteria: GeneDx Variant Classification Process June 2021. Collection method: clinical testing. Allele origin: germline. Affected: yes.
Comment: Frameshift variant predicted to result in abnormal protein length as the last 61 amino acids are replaced with 128 different amino acids, and other similar variants have been reported in HGMD; Not observed at significant frequency in large population cohorts (gnomAD); Has not been previously published as pathogenic or benign to our knowledge; This variant is associated with the following publications: (PMID: 34953066)

The Laboratory of Genetics and Metabolism, Hunan Children’s Hospital
Classification: Pathogenic for Radioulnar synostosis. Last evaluated: 2020-06-20. Review status: no assertion criteria provided. Collection method: research. Allele origin: maternal. Affected: yes. Not counted in ClinVar's aggregate classification.